The following is an entry in ClinVar:

NM_004370.6(COL12A1):c.4586A>G (p.Asp1529Gly)

Gene: COL12A1 (collagen type XII alpha 1 chain; minus strand). Cytogenetic location: 6q13.
Variant type: single nucleotide variant.
Coding change: c.4586A>G on transcript NM_004370.6 (MANE Select); coding-DNA position 4586, A replaced by G.
Protein change: p.Asp1529Gly; replaces aspartic acid 1529 with glycine.
Molecular consequence: missense variant.
Genome position (GRCh38, 1-based): chr6:75,145,430, T>C on the plus strand (A>G on the coding strand, the complement: COL12A1 is on the minus strand). VCF-style: chr6-75145430-T-C. GRCh37 (hg19) VCF-style: chr6-75855146-T-C.
Other names: c.1094A>G, p.Asp365Gly (NM_080645.3, NM_001424116.1); c.4586A>G, p.Asp1529Gly (NM_001424113.1, NM_001424114.1); c.4313A>G, p.Asp1438Gly (NM_001424115.1); short protein forms D1438G, D1529G, D365G.
Identifiers: ClinVar variation 3751603 (VCV003751603.2).

ClinVar aggregate classification (germline): Uncertain significance (1 of 4 stars; one submission).

Conditions:
Ullrich congenital muscular dystrophy 2 (UCMD2). Identifiers: Orphanet 75840, MedGen C4225314, MONDO:0014654, OMIM 616470.
Bethlem myopathy 2 (BTHLM2). Identifiers: Orphanet 536516, Orphanet 610, MedGen C4225313, MONDO:0034022, OMIM 616471.

Submission:

Labcorp Genetics (formerly Invitae), Labcorp
Classification: Uncertain significance for Bethlem myopathy 2; Ullrich congenital muscular dystrophy 2. Last evaluated: 2024-10-26. Review status: criteria provided, single submitter. Criteria: Invitae Variant Classification Sherloc (09022015). Collection method: clinical testing. Allele origin: germline.
Comment: This sequence change replaces aspartic acid, which is acidic and polar, with glycine, which is neutral and non-polar, at codon 1529 of the COL12A1 protein (p.Asp1529Gly). This variant is not present in population databases (gnomAD no frequency). This variant has not been reported in the literature in individuals affected with COL12A1-related conditions. Invitae Evidence Modeling of protein sequence and biophysical properties (such as structural, functional, and spatial information, amino acid conservation, physicochemical variation, residue mobility, and thermodynamic stability) indicates that this missense variant is not expected to disrupt COL12A1 protein function with a negative predictive value of 80%. In summary, the available evidence is currently insufficient to determine the role of this variant in disease. Therefore, it has been classified as a Variant of Uncertain Significance.